The following is an entry in ClinVar:

ClinVar aggregate classification (germline): Uncertain significance (1 of 4 stars; one submission).

Submission:

GeneDx
Classification: Uncertain significance. Last evaluated: 2023-03-29. Review status: criteria provided, single submitter. Criteria: GeneDx Variant Classification Process June 2021. Collection method: clinical testing. Allele origin: germline. Affected: yes.
Comment: Not observed at significant frequency in large population cohorts (gnomAD); In silico analysis supports that this missense variant has a deleterious effect on protein structure/function; Has not been previously published as pathogenic or benign to our knowledge

NM_006494.4(ERF):c.74G>A (p.Arg25Lys)

Gene: ERF (ETS2 repressor factor; minus strand). Cytogenetic location: 19q13.2.
Variant type: single nucleotide variant.
Coding change: c.74G>A on transcript NM_006494.4 (MANE Select); coding-DNA position 74, G replaced by A.
Protein change: p.Arg25Lys; replaces arginine 25 with lysine.
Molecular consequence: missense variant. On other transcripts: 5 prime UTR variant (3).
Genome position (GRCh38, 1-based): chr19:42,250,514, C>T on the plus strand (G>A on the coding strand, the complement: ERF is on the minus strand). VCF-style: chr19-42250514-C-T. GRCh37 (hg19) VCF-style: chr19-42754666-C-T.
Other names: c.-152G>A (NM_001301035.2, NM_001308402.2, NM_001312656.2); short protein forms R25K.
Identifiers: ClinVar variation 2581983 (VCV002581983.1), dbSNP rs2513525867, ClinGen allele CA406115812.